The following is an entry in ClinVar:

ClinVar aggregate classification (germline): Uncertain significance (1 of 4 stars; one submission).

Conditions:
Adenylosuccinate lyase deficiency (ADSLD). Also called: ADSL DEFICIENCY. Identifiers: Orphanet 46, MedGen C0268126, MONDO:0007068, OMIM 103050.

Allele frequency attached by ClinVar (database versions not stated): TOPMed 0.00002; gnomAD 0.00003.
gnomAD v4.1: 4 of 1,603,386 alleles (0.00025%); highest among the groups gnomAD compares: African/African-American, 0.0053%; no homozygotes.

Submission:

Labcorp Genetics (formerly Invitae), Labcorp
Classification: Uncertain significance for Adenylosuccinate lyase deficiency. Last evaluated: 2022-02-10. Review status: criteria provided, single submitter. Criteria: Invitae Variant Classification Sherloc (09022015). Collection method: clinical testing. Allele origin: germline.
Comment: This sequence change affects codon 51 of the ADSL mRNA. It is a 'silent' change, meaning that it does not change the encoded amino acid sequence of the ADSL protein. This variant also falls at the last nucleotide of exon 1, which is part of the consensus splice site for this exon. This variant is present in population databases (no rsID available, gnomAD 0.02%). This variant has not been reported in the literature in individuals affected with ADSL-related conditions. ClinVar contains an entry for this variant (Variation ID: 951371). Variants that disrupt the consensus splice site are a relatively common cause of aberrant splicing (PMID: 17576681, 9536098). Algorithms developed to predict the effect of sequence changes on RNA splicing suggest that this variant may disrupt the consensus splice site. In summary, the available evidence is currently insufficient to determine the role of this variant in disease. Therefore, it has been classified as a Variant of Uncertain Significance.

Literature cited by the submitters: PubMed 17576681; PubMed 9536098.

NM_000026.4(ADSL):c.153G>A (p.Gln51=)

Gene: ADSL (adenylosuccinate lyase; plus strand). Cytogenetic location: 22q13.1.
Variant type: single nucleotide variant.
Coding change: c.153G>A on transcript NM_000026.4 (MANE Select); coding-DNA position 153, G replaced by A.
Protein change: p.Gln51=; no amino-acid change (glutamine 51 retained).
Molecular consequence: synonymous variant. On other transcripts: non-coding transcript variant (1), intron variant (1).
Genome position (GRCh38, 1-based): chr22:40,346,711, G>A. VCF-style: chr22-40346711-G-A. GRCh37 (hg19) VCF-style: chr22-40742715-G-A.
Other names: c.153G>A, p.Gln51= (NM_001123378.3, NM_001363840.3); c.-40+55G>A (NM_001317923.2).
Identifiers: ClinVar variation 951371 (VCV000951371.5), dbSNP rs1214023402, ClinGen allele CA514611986.